The following is an entry in ClinVar:

NM_058216.3(RAD51C):c.389G>C (p.Gly130Ala)

Gene: RAD51C (RAD51 paralog C; plus strand). Cytogenetic location: 17q22.
Variant type: single nucleotide variant.
Coding change: c.389G>C on transcript NM_058216.3 (MANE Select); coding-DNA position 389, G replaced by C.
Protein change: p.Gly130Ala; replaces glycine 130 with alanine.
Molecular consequence: missense variant. On other transcripts: non-coding transcript variant (2).
Genome position (GRCh38, 1-based): chr17:58,695,174, G>C. VCF-style: chr17-58695174-G-C. GRCh37 (hg19) VCF-style: chr17-56772535-G-C.
Other names: c.389G>C, p.Gly130Ala (NM_002876.4); short protein forms G130A.
Identifiers: ClinVar variation 928939 (VCV000928939.10), dbSNP rs2047958982, ClinGen allele CA400341963.

ClinVar aggregate classification (germline): Conflicting classifications of pathogenicity. Review status: criteria provided, conflicting classifications (1 of 4 stars). 4 submissions from 4 submitters: Likely pathogenic (2); Uncertain significance (2). Last evaluated 2025-09-03.

Conditions:
Breast-ovarian cancer, familial, susceptibility to, 3. Also called: RAD51C-Related Breast/Ovarian Cancer. Identifiers: Orphanet 145, MedGen C3150659, MONDO:0013253, OMIM 613399.
Hereditary cancer-predisposing syndrome. Also called: Tumor predisposition; Hereditary neoplastic syndrome; Neoplastic Syndromes, Hereditary; Hereditary Cancer Syndrome. Identifiers: Orphanet 140162, MedGen C0027672, MeSH D009386, MONDO:0015356.
Fanconi anemia complementation group O. Also called: RAD51C-Related Fanconi Anemia. Identifiers: Orphanet 84, MedGen C3150653, MONDO:0013248, OMIM 613390.

Allele frequency attached by ClinVar (database versions not stated): TOPMed below 0.00001.
gnomAD v4.1: 2 of 1,611,256 alleles (0.00012%); highest among the groups gnomAD compares: East Asian, 0.0045%; no homozygotes.

Submissions (4):

Ambry Genetics
Classification: Likely pathogenic for Hereditary cancer-predisposing syndrome. Last evaluated: 2025-09-03. Review status: criteria provided, single submitter. Criteria: Ambry Variant Classification Scheme 2023. Collection method: clinical testing. Allele origin: germline.
Comment: The p.G130A variant (also known as c.389G>C), located in coding exon 2 of the RAD51C gene, results from a G to C substitution at nucleotide position 389. The glycine at codon 130 is replaced by alanine, an amino acid with similar properties. This amino acid position is highly conserved in available vertebrate species. In a homology-directed DNA repair (HDR) assay, this alteration showed a functionally abnormal read-out (Olvera-Le&oacute;n R et al Cell 2024 Oct;187(20):5719-5734.e19). This variant is considered to be rare based on population cohorts in the Genome Aggregation Database (gnomAD). In addition, this alteration is predicted to be deleterious by in silico analysis. Based on the majority of available evidence to date, this variant is likely to be pathogenic.

Labcorp Genetics (formerly Invitae), Labcorp
Classification: Uncertain significance for Fanconi anemia complementation group O. Last evaluated: 2024-12-11. Review status: criteria provided, single submitter. Criteria: Invitae Variant Classification Sherloc (09022015). Collection method: clinical testing. Allele origin: germline.
Comment: This sequence change replaces glycine, which is neutral and non-polar, with alanine, which is neutral and non-polar, at codon 130 of the RAD51C protein (p.Gly130Ala). This variant is not present in population databases (gnomAD no frequency). This variant has not been reported in the literature in individuals affected with RAD51C-related conditions. ClinVar contains an entry for this variant (Variation ID: 928939). Invitae Evidence Modeling of protein sequence and biophysical properties (such as structural, functional, and spatial information, amino acid conservation, physicochemical variation, residue mobility, and thermodynamic stability) indicates that this missense variant is expected to disrupt RAD51C protein function with a positive predictive value of 80%. In summary, the available evidence is currently insufficient to determine the role of this variant in disease. Therefore, it has been classified as a Variant of Uncertain Significance.

Myriad Genetics, Inc.
Classification: Likely pathogenic for Breast-ovarian cancer, familial, susceptibility to, 3. Last evaluated: 2024-11-25. Review status: criteria provided, single submitter. Criteria: Myriad Autosomal Dominant, Autosomal Recessive and X-Linked Classification Criteria (2023). Collection method: clinical testing. Allele origin: unknown.
Comment: This variant is considered likely pathogenic. Functional studies indicate this variant impacts protein function [PMID: 39299233, 36099300]. This variant is expected to disrupt protein structure [Myriad internal data].

Women's Health and Genetics/Laboratory Corporation of America, LabCorp
Classification: Uncertain significance. Last evaluated: 2019-07-15. Review status: criteria provided, single submitter. Criteria: LabCorp Variant Classification Summary - May 2015. Collection method: clinical testing. Allele origin: germline.
Comment: Variant summary: RAD51C c.389G>C (p.Gly130Ala) results in a non-conservative amino acid change located in the DNA recombination and repair protein Rad51-like, C-terminal domain of the encoded protein sequence. Five of five in-silico tools predict a damaging effect of the variant on protein function. The variant was absent in 248304 control chromosomes. The available data on variant occurrences in the general population are insufficient to allow any conclusion about variant significance. To our knowledge, no occurrence of c.389G>C in individuals affected with Hereditary Breast and Ovarian Cancer and no experimental evidence demonstrating its impact on protein function have been reported. No clinical diagnostic laboratories have submitted clinical-significance assessments for this variant to ClinVar after 2014. Based on the evidence outlined above, the variant was classified as uncertain significance.

Literature cited by the submitters: PubMed 39299233 (cited by Myriad Genetics, Inc.); PubMed 36099300 (cited by Myriad Genetics, Inc.).